The following is an entry in ClinVar:

NM_006440.5(TXNRD2):c.1465C>T (p.Gln489Ter)

Gene: TXNRD2 (thioredoxin reductase 2; minus strand). Cytogenetic location: 22q11.21.
Variant type: single nucleotide variant.
Coding change: c.1465C>T on transcript NM_006440.5 (MANE Select); coding-DNA position 1465, C replaced by T.
Protein change: p.Gln489Ter; replaces glutamine 489 with a stop codon.
Molecular consequence: nonsense.
Genome position (GRCh38, 1-based): chr22:19,877,215, G>A on the plus strand (C>T on the coding strand, the complement: TXNRD2 is on the minus strand). VCF-style: chr22-19877215-G-A. GRCh37 (hg19) VCF-style: chr22-19864738-G-A.
Other names: c.1462C>T, p.Gln488Ter (NM_001352300.2); c.1375C>T, p.Gln459Ter (NM_001352301.2); c.1177C>T, p.Gln393Ter (NM_001352302.2); short protein forms Q393*, Q489*, Q459*, Q488*.
Identifiers: ClinVar variation 663710 (VCV000663710.7), dbSNP rs759650391, ClinGen allele CA10103618.
Genomic context (GRCh38, chr22:19,877,215, plus strand): 5'-TGCGCAGCTTGACTACCTCCTCAGAGCATGTGGGATGGATACCCACGGTCCGCATCACCT[G>A]CGCATAGGAAGCCCCACACCTGCACATGGGGGATGGGGGAGGCAGGCGGGGTCAGCACAG-3'

ClinVar aggregate classification (germline): Uncertain significance (1 of 4 stars; one submission).

Conditions:
Primary dilated cardiomyopathy (DCM). Also called: Dilated Cardiomyopathy. Identifiers: Orphanet 217604, MedGen C0007193, MeSH D002311, MONDO:0005021, HP:0001644. Inheritance: Various modes of inheritance.

Allele frequency attached by ClinVar (database versions not stated): ExAC 0.00001; gnomAD exomes 0.00001; gnomAD 0.00001; TOPMed 0.00001.
gnomAD v4.1: 6 of 1,611,028 alleles (0.00037%); highest among the groups gnomAD compares: Non-Finnish European, 0.00042%; no homozygotes.

Submission:

Labcorp Genetics (formerly Invitae), Labcorp
Classification: Uncertain significance for Primary dilated cardiomyopathy. Last evaluated: 2024-01-11. Review status: criteria provided, single submitter. Criteria: Invitae Variant Classification Sherloc (09022015). Collection method: clinical testing. Allele origin: germline.
Comment: This sequence change creates a premature translational stop signal (p.Gln489*) in the TXNRD2 gene. It is expected to result in an absent or disrupted protein product. However, the current clinical and genetic evidence is not sufficient to establish whether loss-of-function variants in TXNRD2 cause disease. This variant is present in population databases (rs759650391, gnomAD 0.0009%). This variant has not been reported in the literature in individuals affected with TXNRD2-related conditions. ClinVar contains an entry for this variant (Variation ID: 663710). In summary, the available evidence is currently insufficient to determine the role of this variant in disease. Therefore, it has been classified as a Variant of Uncertain Significance.